The following is an entry in ClinVar:

NM_198578.4(LRRK2):c.7468C>A (p.Gln2490Lys)

Gene: LRRK2 (leucine rich repeat kinase 2; plus strand). Cytogenetic location: 12q12.
Variant type: single nucleotide variant.
Coding change: c.7468C>A on transcript NM_198578.4 (MANE Select); coding-DNA position 7468, C replaced by A.
Protein change: p.Gln2490Lys; replaces glutamine 2490 with lysine.
Molecular consequence: missense variant.
Genome position (GRCh38, 1-based): chr12:40,367,649, C>A. VCF-style: chr12-40367649-C-A. GRCh37 (hg19) VCF-style: chr12-40761451-C-A.
Other names: short protein forms Q2490K.
Identifiers: ClinVar variation 1759040 (VCV001759040.2), dbSNP rs1946920440, ClinGen allele CA384415996.

ClinVar aggregate classification (germline): Uncertain significance (1 of 4 stars; one submission).

Conditions:
Inborn genetic diseases. Identifiers: MedGen C0950123, MeSH D030342.

Submission:

Ambry Genetics
Classification: Uncertain significance for Inborn genetic diseases. Last evaluated: 2021-10-31. Review status: criteria provided, single submitter. Criteria: Ambry Variant Classification Scheme 2023. Collection method: clinical testing. Allele origin: germline.
Comment: The p.Q2490K variant (also known as c.7468C>A), located in coding exon 51 of the LRRK2 gene, results from a C to A substitution at nucleotide position 7468. The glutamine at codon 2490 is replaced by lysine, an amino acid with similar properties. This amino acid position is conserved. In addition, this alteration is predicted to be tolerated by in silico analysis. Since supporting evidence is limited at this time, the clinical significance of this alteration remains unclear.